The following is an entry in ClinVar:

ClinVar aggregate classification (germline): Uncertain significance. Review status: criteria provided, multiple submitters, no conflicts (2 of 4 stars). 2 submissions from 2 submitters: Uncertain significance (2). Last evaluated 2022-06-21.

Conditions:
Myopathy, myofibrillar, 9, with early respiratory failure (MFM9). Also called: EDSTROM MYOPATHY; MYOPATHY, PROXIMAL, WITH EARLY RESPIRATORY MUSCLE INVOLVEMENT; Myopathy, distal, with early respiratory failure, autosomal dominant; Hereditary myopathy with early respiratory failure. Identifiers: Orphanet 178464, Orphanet 34521, MedGen C1863599, MONDO:0011362, OMIM 603689.
Early-onset myopathy with fatal cardiomyopathy (CMYO5). Also called: CONGENITAL MYOPATHY 5 WITH CARDIOMYOPATHY; Salih Myopathy. Identifiers: Orphanet 289377, MedGen C2673677, MONDO:0012714, OMIM 611705. Disease mechanism: loss of function.
Hypertrophic cardiomyopathy 9. Also called: Familial hypertrophic cardiomyopathy 9. Identifiers: MedGen C1861065, MONDO:0013412, OMIM 613765.
Dilated cardiomyopathy 1G (CMD1G). Identifiers: Orphanet 154, MedGen C1858763, MONDO:0011400, OMIM 604145.
Tibial muscular dystrophy (TMD). Also called: UDD MYOPATHY; Tibial muscular dystrophy, tardive; Udd Distal Myopathy – Tibial Muscular Dystrophy. Identifiers: Orphanet 609, MedGen C1838244, MONDO:0010870, OMIM 600334.
Autosomal recessive limb-girdle muscular dystrophy type 2J (LGMDR10). Also called: MUSCULAR DYSTROPHY, LIMB-GIRDLE, AUTOSOMAL RECESSIVE 10; Limb-girdle muscular dystrophy, type 2J. Identifiers: Orphanet 140922, MedGen C1837342, MONDO:0012127, OMIM 608807.

Allele frequency attached by ClinVar (database versions not stated): gnomAD exomes 0.00002.
gnomAD v4.1: 29 of 1,612,222 alleles (0.0018%); highest among the groups gnomAD compares: East Asian, 0.061%; no homozygotes.

Submissions (2):

Department of Pathology and Laboratory Medicine, Sinai Health System
Classification: Uncertain significance for Tibial muscular dystrophy; Myopathy, myofibrillar, 9, with early respiratory failure; Dilated cardiomyopathy 1G; Autosomal recessive limb-girdle muscular dystrophy type 2J; Early-onset myopathy with fatal cardiomyopathy; Hypertrophic cardiomyopathy 9. Last evaluated: 2022-06-21. Review status: criteria provided, single submitter. Criteria: ACMG Guidelines, 2015. Collection method: research. Allele origin: germline.

Biesecker Lab/Clinical Genomics Section, National Institutes of Health
Classification: Uncertain significance. Last evaluated: 2013-06-24. Review status: criteria provided, single submitter. Criteria: Ng et al. (Circ Cardiovasc Genet. 2013). Collection method: research. Allele origin: unknown. Observed: 1 variant allele. Study: ClinSeq.
Comment: The study set was not selected for affection status in relation to any cancer. Pathogenicity categories were based on literature curation. See Pubmed ID:23861362 for details.

Medical sequencing

NM_001267550.2(TTN):c.45044T>A (p.Val15015Glu)

Genes: TTN (titin; minus strand), LOC126806427 (BRD4-independent group 4 enhancer GRCh37_chr2:179485777-179486976; plus strand). Cytogenetic location: 2q31.2.
Variant type: single nucleotide variant.
Coding change: c.45044T>A on transcript NM_001267550.2 (MANE Select); coding-DNA position 45044, T replaced by A.
Protein change: p.Val15015Glu; replaces valine 15015 with glutamic acid.
Molecular consequence: missense variant.
Genome position (GRCh38, 1-based): chr2:178,621,878, A>T on the plus strand (T>A on the coding strand, the complement: TTN is on the minus strand). VCF-style: chr2-178621878-A-T. GRCh37 (hg19) VCF-style: chr2-179486605-A-T.
Other names: c.40121T>A, p.Val13374Glu (NM_001256850.1); c.17849T>A, p.Val5950Glu (NM_003319.4); c.37340T>A, p.Val12447Glu (NM_133378.4); c.18224T>A, p.Val6075Glu (NM_133432.3); c.18425T>A, p.Val6142Glu (NM_133437.4); short protein forms V12447E, V15015E, V6142E, V5950E, V6075E, V13374E.
Identifiers: ClinVar variation 191962 (VCV000191962.2), dbSNP rs786205390, ClinGen allele CA237973.